The following is an entry in ClinVar:

ClinVar aggregate classification (germline): Likely benign (1 of 4 stars; one submission).

gnomAD v4.1: 944 of 717,332 alleles (0.13%); highest among the groups gnomAD compares: African/African-American, 0.75%; 8 homozygotes.

Submission:

CeGaT Center for Human Genetics Tuebingen
Classification: Likely benign. Last evaluated: 2025-07-01. Review status: criteria provided, single submitter. Criteria: CeGaT Center For Human Genetics Tuebingen Variant Classification Criteria Version 2. Collection method: clinical testing. Allele origin: germline. Affected: yes. Observed: 1 variant allele.
Comment: TNNI3K: BS2

NM_015978.3(TNNI3K):c.2122-5847C>T

Genes: FPGT-TNNI3K (FPGT-TNNI3K readthrough; plus strand), LRRC53 (leucine rich repeat containing 53; minus strand), TNNI3K (TNNI3 interacting kinase; plus strand). Cytogenetic location: 1p31.1.
Variant type: single nucleotide variant.
Coding change: c.2122-5847C>T on transcript NM_015978.3 (MANE Select); 5847 bases into the intron before coding-DNA position 2122, C replaced by T.
Molecular consequence: intron variant. On other transcripts: missense variant (1).
Genome position (GRCh38, 1-based): chr1:74,483,342, C>T. VCF-style: chr1-74483342-C-T. GRCh37 (hg19) VCF-style: chr1-74949026-C-T.
Other names: c.8G>A, p.Arg3Gln (NM_001382280.1); c.2425-5847C>T (NM_001112808.3); c.-8-2374G>A (NM_001364666.2); short protein forms R3Q.
Identifiers: ClinVar variation 4084408 (VCV004084408.8).